The following is an entry in ClinVar:

NM_006005.3(WFS1):c.713-1024A>T

Gene: WFS1 (wolframin ER transmembrane glycoprotein; plus strand). Cytogenetic location: 4p16.1.
Variant type: single nucleotide variant.
Coding change: c.713-1024A>T on transcript NM_006005.3 (MANE Select); 1024 bases into the intron before coding-DNA position 713, A replaced by T.
Molecular consequence: intron variant.
Genome position (GRCh38, 1-based): chr4:6,294,017, A>T. VCF-style: chr4-6294017-A-T. GRCh37 (hg19) VCF-style: chr4-6295744-A-T.
Other names: c.713-1024A>T (NM_001145853.1).
Identifiers: ClinVar variation 671460 (VCV000671460.2), dbSNP rs28625666, ClinGen allele CA11677695.

ClinVar aggregate classification (germline): Benign. Review status: criteria provided, multiple submitters, no conflicts (2 of 4 stars). 2 submissions from 2 submitters: Benign (2). Last evaluated 2018-06-14.

Conditions:
Wolfram syndrome 1 (WFS1). Identifiers: Orphanet 3463, MedGen C4551693, MONDO:0009101, OMIM 222300.

Allele frequency attached by ClinVar (database versions not stated): 1000 Genomes Project 0.15116; 1000 Genomes Project 30x 0.15537; TOPMed 0.15823.
gnomAD v4.1: 23,297 of 152,146 alleles (15%); highest among the groups gnomAD compares: African/African-American, 25%; 2,197 homozygotes.

Submissions (2):

GeneDx
Classification: Benign. Last evaluated: 2018-06-14. Review status: criteria provided, single submitter. Criteria: GeneDx Variant Classification (06012015). Collection method: clinical testing. Allele origin: germline. Affected: yes.
Comment: This variant is considered likely benign or benign based on one or more of the following criteria: it is a conservative change, it occurs at a poorly conserved position in the protein, it is predicted to be benign by multiple in silico algorithms, and/or has population frequency not consistent with disease.

Clinical Genomics, Uppaluri K&H Personalized Medicine Clinic
Classification: Benign for Wolfram syndrome 1. Review status: criteria provided, single submitter. Criteria: K & H Uppaluri Personalized Medicine Clinic Variant Classification & Assertion Criteria_Updated V.1. Collection method: research. Allele origin: unknown. Inheritance: Autosomal recessive inheritance.
Comment: Potent mutations in WFS1 gene are associated with Wolfram's syndrome, an autosomal recessive condition, which cause diabetes mellitus, diabetes insipidus, deafness and optic atrophy. However no sufficient evidence is found to ascertain the role of this particular variant rs28625666 in Wolfram's syndrome yet.

Literature cited by the submitters: PubMed 20738327 (cited by Clinical Genomics, Uppaluri K&H Personalized Medicine Clinic); PubMed 33879153 (cited by Clinical Genomics, Uppaluri K&H Personalized Medicine Clinic); PubMed 12955714 (cited by Clinical Genomics, Uppaluri K&H Personalized Medicine Clinic); PubMed 18060660 (cited by Clinical Genomics, Uppaluri K&H Personalized Medicine Clinic); PubMed 20301750 (cited by Clinical Genomics, Uppaluri K&H Personalized Medicine Clinic); PubMed 17603484 (cited by Clinical Genomics, Uppaluri K&H Personalized Medicine Clinic).